The following is an entry in ClinVar:

ClinVar aggregate classification (germline): Uncertain significance (1 of 4 stars; one submission).

Allele frequency attached by ClinVar (database versions not stated): gnomAD 0.00001; TOPMed 0.00001; ESP Exome Variant Server 0.00008.

Submission:

Labcorp Genetics (formerly Invitae), Labcorp
Classification: Uncertain significance. Last evaluated: 2023-10-09. Review status: criteria provided, single submitter. Criteria: Invitae Variant Classification Sherloc (09022015). Collection method: clinical testing. Allele origin: germline.
Comment: This sequence change replaces proline, which is neutral and non-polar, with leucine, which is neutral and non-polar, at codon 210 of the SIAE protein (p.Pro210Leu). This variant is not present in population databases (gnomAD no frequency). This variant has not been reported in the literature in individuals affected with SIAE-related conditions. ClinVar contains an entry for this variant (Variation ID: 2109169). An algorithm developed to predict the effect of missense changes on protein structure and function (PolyPhen-2) suggests that this variant is likely to be disruptive. In summary, the available evidence is currently insufficient to determine the role of this variant in disease. Therefore, it has been classified as a Variant of Uncertain Significance.

NM_170601.5(SIAE):c.629C>T (p.Pro210Leu)

Gene: SIAE (sialic acid acetylesterase; minus strand). Cytogenetic location: 11q24.2.
Variant type: single nucleotide variant.
Coding change: c.629C>T on transcript NM_170601.5 (MANE Select); coding-DNA position 629, C replaced by T.
Protein change: p.Pro210Leu; replaces proline 210 with leucine.
Molecular consequence: missense variant.
Genome position (GRCh38, 1-based): chr11:124,649,712, G>A on the plus strand (C>T on the coding strand, the complement: SIAE is on the minus strand). VCF-style: chr11-124649712-G-A. GRCh37 (hg19) VCF-style: chr11-124519608-G-A.
Other names: c.524C>T, p.Pro175Leu (NM_001199922.2); short protein forms P175L, P210L.
Identifiers: ClinVar variation 2109169 (VCV002109169.4), dbSNP rs201725530, ClinGen allele CA230391897.